The following is an entry in ClinVar:

ClinVar aggregate classification (germline): Uncertain significance (1 of 4 stars; one submission).

Conditions:
Hereditary pheochromocytoma and paraganglioma. Also called: Hereditary Paraganglioma-Pheochromocytoma Syndromes; Hereditary paragangliomas and pheochromocytomas; Hereditary pheochromocytoma-paraganglioma. Identifiers: Orphanet 29072, MedGen C4274332, MONDO:0017366.

Submission:

Color Diagnostics, LLC DBA Color Health
Classification: Uncertain significance for Hereditary pheochromocytoma and paraganglioma. Last evaluated: 2025-10-03. Review status: criteria provided, single submitter. Criteria: ACMG Guidelines, 2015. Collection method: clinical testing. Allele origin: germline.
Comment: This variant causes a T to A nucleotide substitution at the -11 position of intron 4 of the SDHC gene. Splice prediction tools suggest that this variant may disrupt RNA splicing. To our knowledge, RNA studies have not been reported for this variant. This variant has not been reported in individuals affected with SDHC-related disorders in the literature. This variant has not been identified in the general population by the Genome Aggregation Database (gnomAD). The available evidence is insufficient to determine the role of this variant in disease conclusively. Therefore, this variant is classified as a Variant of Uncertain Significance.

NM_003001.5(SDHC):c.242-11T>A

Gene: SDHC (succinate dehydrogenase complex subunit C; plus strand). Cytogenetic location: 1q23.3.
Variant type: single nucleotide variant.
Coding change: c.242-11T>A on transcript NM_003001.5 (MANE Select); 11 bases into the intron before coding-DNA position 242, T replaced by A.
Molecular consequence: intron variant.
Genome position (GRCh38, 1-based): chr1:161,356,666, T>A. VCF-style: chr1-161356666-T-A. GRCh37 (hg19) VCF-style: chr1-161326456-T-A.
Other names: c.131-11T>A (NM_001407119.1, NM_001407120.1); c.362-11T>A (NM_001407115.1); c.242-5663T>A (NM_001035511.3); c.140-11T>A (NM_001035512.3); c.140-5663T>A (NM_001278172.3); c.134-11T>A (NM_001407118.1); c.185-11T>A (NM_001407116.1); c.185-5663T>A (NM_001407121.1); and 2 more.
Identifiers: ClinVar variation 4758225 (VCV004758225.1).